The following is an entry in ClinVar:

NM_014795.4(ZEB2):c.2990G>A (p.Gly997Asp)

Gene: ZEB2 (zinc finger E-box binding homeobox 2; minus strand). Cytogenetic location: 2q22.3.
Variant type: single nucleotide variant.
Coding change: c.2990G>A on transcript NM_014795.4 (MANE Select); coding-DNA position 2990, G replaced by A.
Protein change: p.Gly997Asp; replaces glycine 997 with aspartic acid.
Molecular consequence: missense variant.
Genome position (GRCh38, 1-based): chr2:144,396,489, C>T on the plus strand (G>A on the coding strand, the complement: ZEB2 is on the minus strand). VCF-style: chr2-144396489-C-T. GRCh37 (hg19) VCF-style: chr2-145154056-C-T.
Other names: c.2918G>A, p.Gly973Asp (NM_001171653.2); short protein forms G997D, G973D.
Identifiers: ClinVar variation 1505350 (VCV001505350.6), dbSNP rs2149875512, ClinGen allele CA348704107.

ClinVar aggregate classification (germline): Uncertain significance (1 of 4 stars; one submission).

Conditions:
Mowat-Wilson syndrome (MOWS). Also called: Classic Mowat-Wilson Syndrome. Identifiers: Orphanet 2152, MedGen C1856113, MONDO:0009341, OMIM 235730.

Submission:

Labcorp Genetics (formerly Invitae), Labcorp
Classification: Uncertain significance for Mowat-Wilson syndrome. Last evaluated: 2022-07-19. Review status: criteria provided, single submitter. Criteria: Invitae Variant Classification Sherloc (09022015). Collection method: clinical testing. Allele origin: germline.
Comment: Algorithms developed to predict the effect of missense changes on protein structure and function are either unavailable or do not agree on the potential impact of this missense change (SIFT: "Tolerated"; PolyPhen-2: "Probably Damaging"; Align-GVGD: "Class C0"). In summary, the available evidence is currently insufficient to determine the role of this variant in disease. Therefore, it has been classified as a Variant of Uncertain Significance. ClinVar contains an entry for this variant (Variation ID: 1505350). This variant has not been reported in the literature in individuals affected with ZEB2-related conditions. This variant is not present in population databases (gnomAD no frequency). This sequence change replaces glycine, which is neutral and non-polar, with aspartic acid, which is acidic and polar, at codon 997 of the ZEB2 protein (p.Gly997Asp).